The following is an entry in ClinVar:

NM_001352514.2(HLCS):c.*547C>T

Gene: HLCS (holocarboxylase synthetase; minus strand). Cytogenetic location: 21q22.13.
Variant type: single nucleotide variant.
Coding change: c.*547C>T on transcript NM_001352514.2 (MANE Select); 547 bases downstream of the stop codon, C replaced by T.
Molecular consequence: 3 prime UTR variant. On other transcripts: non-coding transcript variant (2).
Genome position (GRCh38, 1-based): chr21:36,753,699, G>A on the plus strand (C>T on the coding strand, the complement: HLCS is on the minus strand). VCF-style: chr21-36753699-G-A. GRCh37 (hg19) VCF-style: chr21-38126000-G-A.
Other names: c.*547C>T (NM_000411.8, NM_001242784.3, NM_001242785.2 and 4 more transcripts).
Identifiers: ClinVar variation 339951 (VCV000339951.5), dbSNP rs116526486, ClinGen allele CA10653611.

ClinVar aggregate classification (germline): Benign (1 of 4 stars; one submission).

Conditions:
Holocarboxylase synthetase deficiency. Also called: MULTIPLE CARBOXYLASE DEFICIENCY, EARLY ONSET. Identifiers: Orphanet 79242, MedGen C0268581, MONDO:0009666, OMIM 253270.

Allele frequency attached by ClinVar (database versions not stated): gnomAD exomes 0.00102; gnomAD 0.01798 and 0.01940; 1000 Genomes Project 0.01957; TOPMed 0.01981; 1000 Genomes Project 30x 0.02046.
gnomAD v4.1: 2,716 of 167,672 alleles (1.6%); highest among the groups gnomAD compares: African/African-American, 6.1%; 73 homozygotes.

Submission:

Illumina Laboratory Services, Illumina
Classification: Benign for Holocarboxylase synthetase deficiency. Last evaluated: 2018-01-12. Review status: criteria provided, single submitter. Criteria: ICSL Variant Classification Criteria 13 December 2019. Collection method: clinical testing. Allele origin: germline.
Comment: This variant was observed in the ICSL laboratory as part of a predisposition screen in an ostensibly healthy population. It had not been previously curated by ICSL or reported in the Human Gene Mutation Database (HGMD: prior to June 1st, 2018), and was therefore a candidate for classification through an automated scoring system. Utilizing variant allele frequency, disease prevalence and penetrance estimates, and inheritance mode, an automated score was calculated to assess if this variant is too frequent to cause the disease. Based on the score and internal cut-off values, a variant classified as benign is not then subjected to further curation. The score for this variant resulted in a classification of benign for this disease.